The following is an entry in ClinVar:

NM_001039141.3(TRIOBP):c.6022C>T (p.Arg2008Trp)

Gene: TRIOBP (TRIO and F-actin binding protein; plus strand). Cytogenetic location: 22q13.1.
Variant type: single nucleotide variant.
Coding change: c.6022C>T on transcript NM_001039141.3 (MANE Select); coding-DNA position 6022, C replaced by T.
Protein change: p.Arg2008Trp; replaces arginine 2008 with tryptophan.
Molecular consequence: missense variant.
Genome position (GRCh38, 1-based): chr22:37,757,947, C>T. VCF-style: chr22-37757947-C-T. GRCh37 (hg19) VCF-style: chr22-38153954-C-T.
Other names: c.883C>T, p.Arg295Trp (NM_007032.5, NM_138632.2); short protein forms R2008W, R295W.
Identifiers: ClinVar variation 805686 (VCV000805686.4), dbSNP rs772305308, ClinGen allele CA10224862.
Genomic context (GRCh38, chr22:37,757,947, plus strand): 5'-AAGTGGTTTGAGGCCACAGACAGCAGGACCCCAGAGGTGCCTGCTGGTGAGGGGCCGCGC[C>T]GGGGCCTGGGTGCCCCCCTGACTGAGGACCAGCAAAACCGGCTTAGTGAGGAGATCGAGA-3'
Protein context (NP_001034230.1, residues 1998-2018): PEVPAGEGPR[Arg2008Trp]GLGAPLTEDQ

ClinVar aggregate classification (germline): Uncertain significance. Review status: criteria provided, multiple submitters, no conflicts (2 of 4 stars). 4 submissions from 4 submitters: Uncertain significance (4). Last evaluated 2025-07-22.

Conditions:
Autosomal recessive nonsyndromic hearing loss 28. Identifiers: Orphanet 90636, MedGen C1853276, MONDO:0012355, OMIM 609823.
Inborn genetic diseases. Identifiers: MedGen C0950123, MeSH D030342.

Allele frequency attached by ClinVar (database versions not stated): gnomAD 0.00001; gnomAD exomes 0.00001; TOPMed 0.00002; ExAC 0.00005.
gnomAD v4.1: 28 of 1,562,384 alleles (0.0018%); highest among the groups gnomAD compares: African/African-American, 0.0027%; no homozygotes.

Submissions (4):

GeneDx
Classification: Uncertain significance. Last evaluated: 2025-07-22. Review status: criteria provided, single submitter. Criteria: GeneDx Variant Classification Process June 2021. Collection method: clinical testing. Allele origin: germline. Affected: yes.
Comment: Not observed at significant frequency in large population cohorts (gnomAD); In silico analysis supports that this missense variant has a deleterious effect on protein structure/function; Has not been previously published as pathogenic or benign to our knowledge

Ambry Genetics
Classification: Uncertain significance for Inborn genetic diseases. Last evaluated: 2024-12-21. Review status: criteria provided, single submitter. Criteria: Ambry Variant Classification Scheme 2023. Collection method: clinical testing. Allele origin: germline.

Fulgent Genetics
Classification: Uncertain significance for Autosomal recessive nonsyndromic hearing loss 28. Last evaluated: 2022-01-07. Review status: criteria provided, single submitter. Criteria: ACMG Guidelines, 2015. Collection method: clinical testing. Allele origin: unknown.

Athena Diagnostics
Classification: Uncertain significance. Last evaluated: 2019-02-12. Review status: criteria provided, single submitter. Criteria: Athena Diagnostics Criteria. Collection method: clinical testing. Allele origin: germline.